The following is an entry in ClinVar:

ClinVar aggregate classification (germline): Uncertain significance. Review status: criteria provided, multiple submitters, no conflicts (2 of 4 stars). 2 submissions from 2 submitters: Uncertain significance (2). Last evaluated 2025-11-01.

Conditions:
Inborn genetic diseases. Identifiers: MedGen C0950123, MeSH D030342.

Allele frequency attached by ClinVar (database versions not stated): gnomAD exomes 0.00001; ExAC 0.00007; ESP Exome Variant Server 0.00008; 1000 Genomes Project 0.00020; 1000 Genomes Project 30x 0.00062.
gnomAD v4.1: 28 of 1,614,196 alleles (0.0017%); highest among the groups gnomAD compares: Middle Eastern, 0.049%; no homozygotes.

Submissions (3):

Labcorp Genetics (formerly Invitae), Labcorp
Classification: Uncertain significance. Last evaluated: 2025-11-01. Review status: criteria provided, single submitter. Criteria: Invitae Variant Classification Sherloc (09022015). Collection method: clinical testing. Allele origin: germline.
Comment: This sequence change replaces asparagine, which is neutral and polar, with serine, which is neutral and polar, at codon 285 of the MECOM protein (p.Asn285Ser). This variant is present in population databases (rs201542000, gnomAD 0.02%). This variant has not been reported in the literature in individuals affected with MECOM-related conditions. ClinVar contains an entry for this variant (Variation ID: 2071251). An algorithm developed to predict the effect of missense changes on protein structure and function (PolyPhen-2) suggests that this variant is likely to be tolerated. In summary, the available evidence is currently insufficient to determine the role of this variant in disease. Therefore, it has been classified as a Variant of Uncertain Significance.

Ambry Genetics
Classification: Uncertain significance for Inborn genetic diseases. Last evaluated: 2024-11-23. Review status: criteria provided, single submitter. Criteria: Ambry Variant Classification Scheme 2023. Collection method: clinical testing. Allele origin: germline.
Comment: The p.N473S variant (also known as c.1418A>G), located in coding exon 8 of the MECOM gene, results from an A to G substitution at nucleotide position 1418. The asparagine at codon 473 is replaced by serine, an amino acid with highly similar properties. This amino acid position is conserved. In addition, this alteration is predicted to be tolerated by in silico analysis. Based on the available evidence, the clinical significance of this variant remains unclear.

Dr. Peter K. Rogan Lab, Western University
No classification provided (evidence only). Condition: Clear cell carcinoma of kidney. Review status: no classification provided. Collection method: in vitro. Allele origin: not applicable. Functional consequence: retained intron. Not counted in ClinVar's aggregate classification.

NM_004991.4(MECOM):c.1418A>G (p.Asn473Ser)

Gene: MECOM (MDS1 and EVI1 complex locus; minus strand). Cytogenetic location: 3q26.2.
Variant type: single nucleotide variant.
Coding change: c.1418A>G on transcript NM_004991.4 (MANE Select); coding-DNA position 1418, A replaced by G.
Protein change: p.Asn473Ser; replaces asparagine 473 with serine.
Molecular consequence: missense variant. On other transcripts: intron variant (2).
Genome position (GRCh38, 1-based): chr3:169,116,454, T>C on the plus strand (A>G on the coding strand, the complement: MECOM is on the minus strand). VCF-style: chr3-169116454-T-C. GRCh37 (hg19) VCF-style: chr3-168834242-T-C.
Other names: c.1049A>G, p.Asn350Ser (NM_001105077.4); c.854A>G, p.Asn285Ser (NM_001105078.4, NM_001164000.2, NM_001205194.2 and 4 more transcripts); c.857A>G, p.Asn286Ser (NM_001163999.2, NM_001366467.2, NM_001366468.2 and 1 more transcripts); c.1418A>G, p.Asn473Ser (NM_001366466.2); c.1133-687A>G (NM_001366473.2); c.569-687A>G (NM_001366474.2); c.1418A>G (NM_004991.3); short protein forms N350S, N473S, N285S, N286S.
Identifiers: ClinVar variation 2071251 (VCV002071251.7), dbSNP rs201542000, ClinGen allele CA2696338.